The following is an entry in ClinVar:

ClinVar aggregate classification (germline): Likely benign. Review status: criteria provided, multiple submitters, no conflicts (2 of 4 stars). 4 submissions from 4 submitters: Likely benign (4). Last evaluated 2026-01-14.

Conditions:
Familial thoracic aortic aneurysm and aortic dissection (TAAD). Also called: Thoracic aortic aneurysms and dissections. Identifiers: Orphanet 91387, MedGen C4707243, MONDO:0019625.
Ehlers-Danlos syndrome, type 4 (EDSVASC). Also called: Ehlers-Danlos syndrome vascular type; Ehlers Danlos syndrome, ecchymotic type; Ehlers Danlos syndrome, arterial type; Ehlers Danlos syndrome, Sack-Barabas type; Ehlers-Danlos Syndrome Type IV. Identifiers: Orphanet 286, MedGen C0268338, MONDO:0017314, OMIM 130050.

Allele frequency attached by ClinVar (database versions not stated): gnomAD exomes below 0.00001; TOPMed 0.00001.
gnomAD v4.1: 2 of 1,613,914 alleles (0.00012%); highest among the groups gnomAD compares: Non-Finnish European, 0.000085%; no homozygotes.

Submissions (4):

Labcorp Genetics (formerly Invitae), Labcorp
Classification: Likely benign for Ehlers-Danlos syndrome, type 4. Last evaluated: 2026-01-14. Review status: criteria provided, single submitter. Criteria: Invitae Variant Classification Sherloc (09022015). Collection method: clinical testing. Allele origin: germline.

All of Us Research Program, National Institutes of Health
Classification: Likely benign for Ehlers-Danlos syndrome, type 4. Last evaluated: 2023-12-13. Review status: criteria provided, single submitter. Criteria: ACMG Guidelines, 2015. Collection method: clinical testing. Allele origin: germline. Inheritance: Autosomal dominant inheritance. Observed: 3 variant alleles, 3 heterozygotes.
Comment: This study involves interpretation of variants in research participants for the purpose of population health screening. Participant phenotype was not available at the time of variant classification. Additional details can be found in publication PMID: 35346344, PMCID: PMC8962531

Color Diagnostics, LLC DBA Color Health
Classification: Likely benign for Familial thoracic aortic aneurysm and aortic dissection. Last evaluated: 2023-10-18. Review status: criteria provided, single submitter. Criteria: ACMG Guidelines, 2015. Collection method: clinical testing. Allele origin: germline.

Ambry Genetics
Classification: Likely benign for Familial thoracic aortic aneurysm and aortic dissection. Last evaluated: 2019-06-26. Review status: criteria provided, single submitter. Criteria: Ambry Variant Classification Scheme 2023. Collection method: clinical testing. Allele origin: germline.

NM_000090.4(COL3A1):c.3696T>C (p.Asp1232=)

Gene: COL3A1 (collagen type III alpha 1 chain; plus strand). Cytogenetic location: 2q32.2.
Variant type: single nucleotide variant.
Coding change: c.3696T>C on transcript NM_000090.4 (MANE Select); coding-DNA position 3696, T replaced by C.
Protein change: p.Asp1232=; no amino-acid change (aspartic acid 1232 retained).
Molecular consequence: synonymous variant.
Genome position (GRCh38, 1-based): chr2:189,009,094, T>C. VCF-style: chr2-189009094-T-C. GRCh37 (hg19) VCF-style: chr2-189873820-T-C.
Identifiers: ClinVar variation 1134390 (VCV001134390.13), dbSNP rs1332611074, ClinGen allele CA430406254.
Genomic context (GRCh38, chr2:189,009,094, plus strand): 5'-AGCTGGCGGTTTTGCCCCGTATTATGGAGATGAACCAATGGATTTCAAAATCAACACCGA[T>C]GAGATTATGACTTCACTCAAGTCTGTTAATGGACAAATAGAAAGCCTCATTAGTCCTGAT-3'
Protein context (NP_000081.2, residues 1222-1242): DEPMDFKINT[Asp1232=]EIMTSLKSVN